The following is an entry in ClinVar:

NM_017849.4(TMEM127):c.593A>T (p.His198Leu)

Gene: TMEM127 (transmembrane protein 127; minus strand). Cytogenetic location: 2q11.2.
Variant type: single nucleotide variant.
Coding change: c.593A>T on transcript NM_017849.4 (MANE Select); coding-DNA position 593, A replaced by T.
Protein change: p.His198Leu; replaces histidine 198 with leucine.
Molecular consequence: missense variant.
Genome position (GRCh38, 1-based): chr2:96,253,932, T>A on the plus strand (A>T on the coding strand, the complement: TMEM127 is on the minus strand). VCF-style: chr2-96253932-T-A. GRCh37 (hg19) VCF-style: chr2-96919670-T-A.
Other names: c.593A>T, p.His198Leu (NM_001193304.3); c.341A>T, p.His114Leu (NM_001407282.1, NM_001407283.1); short protein forms H114L, H198L.
Identifiers: ClinVar variation 4755975 (VCV004755975.1).

ClinVar aggregate classification (germline): Uncertain significance (1 of 4 stars; one submission).

Submission:

GeneDx
Classification: Uncertain significance. Last evaluated: 2025-08-06. Review status: criteria provided, single submitter. Criteria: GeneDx Variant Classification Process June 2021. Collection method: clinical testing. Allele origin: germline. Affected: yes.
Comment: Not observed at significant frequency in large population cohorts (gnomAD); In silico analysis supports that this missense variant has a deleterious effect on protein structure/function; Has not been previously published as pathogenic or benign to our knowledge